The following is an entry in ClinVar:

NM_000528.4(MAN2B1):c.2117_2121dup (p.Arg708fs)

Gene: MAN2B1 (mannosidase alpha class 2B member 1; minus strand). Cytogenetic location: 19p13.13.
Variant type: Duplication.
Coding change: c.2117_2121dup on transcript NM_000528.4 (MANE Select); coding-DNA positions 2117 to 2121, 5 bases duplicated (GACAG; older notation c.2117_2121dupGACAG).
Protein change: p.Arg708fs; shifts the reading frame from arginine 708.
Molecular consequence: frameshift variant.
Genome position (GRCh38, 1-based): chr19:12,650,148-12,650,152, CTGTC duplicated on the plus strand (GACAG on the coding strand, the reverse complement: MAN2B1 is on the minus strand); duplicating any 5 consecutive bases within chr19:12,650,148-12,650,155 gives the same sequence; the c. name uses the placement nearest the transcript's 3' end. VCF-style (leftmost placement, unchanged base first): chr19-12650147-G-GCTGTC. GRCh37 (hg19) VCF-style: chr19-12760961-G-GCTGTC.
Other names: c.2114_2118dup, p.Arg707fs (NM_001173498.2); short protein forms R707fs, R708fs.
Identifiers: ClinVar variation 2819013 (VCV002819013.3), dbSNP rs2512489970, ClinGen allele CA2739276539.

ClinVar aggregate classification (germline): Pathogenic (1 of 4 stars; one submission).

Conditions:
Deficiency of alpha-mannosidase (MANSA). Also called: Mannosidosis, alpha-, types I and II; LYSOSOMAL ALPHA-D-MANNOSIDASE DEFICIENCY; Alpha-Mannosidosis. Identifiers: Orphanet 61, MedGen C0024748, MONDO:0009561, OMIM 248500.

Submission:

Labcorp Genetics (formerly Invitae), Labcorp
Classification: Pathogenic for Deficiency of alpha-mannosidase. Last evaluated: 2026-01-05. Review status: criteria provided, single submitter. Criteria: Invitae Variant Classification Sherloc (09022015). Collection method: clinical testing. Allele origin: germline.
Comment: This sequence change creates a premature translational stop signal (p.Arg708Aspfs*7) in the MAN2B1 gene. It is expected to result in an absent or disrupted protein product. Loss-of-function variants in MAN2B1 are known to be pathogenic (PMID: 9915946, 22161967). This variant is not present in population databases (gnomAD no frequency). This variant has not been reported in the literature in individuals affected with MAN2B1-related conditions. ClinVar contains an entry for this variant (Variation ID: 2819013). For these reasons, this variant has been classified as Pathogenic.

Literature cited by the submitters: PubMed 9915946; PubMed 22161967.